The following is an entry in ClinVar:

ClinVar aggregate classification (germline): Likely pathogenic (1 of 4 stars; one submission).

Conditions:
Pituitary hormone deficiency, combined, 2. Also called: PROP1-Related Combined Pituitary Hormone Deficiency; HANHART DWARFISM; PITUITARY DWARFISM III; ATELIOTIC DWARFISM WITH HYPOGONADISM. Identifiers: MedGen C0878683, MONDO:0009878, OMIM 262600.

Allele frequency attached by ClinVar (database versions not stated): gnomAD exomes below 0.00001; TOPMed below 0.00001.
gnomAD v4.1: 1 of 1,613,066 alleles (0.000062%); highest among the groups gnomAD compares: Non-Finnish European, 0.000085%; no homozygotes.

Submission:

Illumina Laboratory Services, Illumina
Classification: Likely pathogenic for Pituitary hormone deficiency, combined, 2. Last evaluated: 2018-12-11. Review status: criteria provided, single submitter. Criteria: ICSL Variant Classification Criteria 09 May 2019. Collection method: clinical testing. Allele origin: germline.
Comment: The PROP1 c.109+1G>T variant occurs in a canonical splice site (donor) and is therefore predicted to disrupt or distort the normal gene product. The variant is reported in a compound heterozygous state in two individuals with combined pituitary hormone deficiency (BÃ¶ttner et al. 2004; Madeira et al. 2017). Control data are unavailable for this variant, and it is not reported in the 1000 Genomes Project, the Exome Sequencing Project, the Exome Aggregation Consortium, or the Genome Aggregation Database. Based on the evidence and the potential impact of splice donor variants, the c.109+1G>T variant is classified as likely pathogenic for combined pituitary hormone deficiency. This variant was observed by ICSL as part of a predisposition screen in an ostensibly healthy population.

Literature cited by the submitters: PubMed 15472232; PubMed 28734020.

NM_006261.5(PROP1):c.109+1G>T

Gene: PROP1 (PROP paired-like homeobox 1; minus strand). Cytogenetic location: 5q35.3.
Variant type: single nucleotide variant.
Coding change: c.109+1G>T on transcript NM_006261.5 (MANE Select); the canonical splice donor site of the intron after coding-DNA position 109, G replaced by T.
Molecular consequence: splice donor variant.
Genome position (GRCh38, 1-based): chr5:177,995,824, C>A on the plus strand (G>T on the coding strand, the complement: PROP1 is on the minus strand). VCF-style: chr5-177995824-C-A. GRCh37 (hg19) VCF-style: chr5-177422825-C-A.
Identifiers: ClinVar variation 631963 (VCV000631963.6), dbSNP rs1214465435, ClinGen allele CA362379414.
Genomic context (GRCh38, chr5:177,995,824, plus strand): 5'-GCTTTCAGCCTCACACCCGCTGCCTCCTCAGGGACCCACGCACACCGGGACGGTCACTCA[C>A]CCACCGTGGTGGTCGGGGTCCCAGTGGCCGGGTGTCTCTCAGGCAACAGGTTGCTGCCGA-3'